The following is an entry in ClinVar:

NM_001035.3(RYR2):c.3808-4C>T

Genes: RYR2 (ryanodine receptor 2; plus strand), LOC126806067 (BRD4-independent group 4 enhancer GRCh37_chr1:237753258-237754457; plus strand). Cytogenetic location: 1q43.
Variant type: single nucleotide variant.
Coding change: c.3808-4C>T on transcript NM_001035.3 (MANE Select); 4 bases into the intron before coding-DNA position 3808, C replaced by T.
Molecular consequence: intron variant.
Genome position (GRCh38, 1-based): chr1:237,590,636, C>T. VCF-style: chr1-237590636-C-T. GRCh37 (hg19) VCF-style: chr1-237753936-C-T.
Identifiers: ClinVar variation 1083975 (VCV001083975.11), dbSNP rs1675049564, ClinGen allele CA2487401697.

ClinVar aggregate classification (germline): Likely benign. Review status: criteria provided, multiple submitters, no conflicts (2 of 4 stars). 2 submissions from 2 submitters: Likely benign (2). Last evaluated 2024-07-10.

Conditions:
Catecholaminergic polymorphic ventricular tachycardia (CVPT). Also called: Catecholamine-induced polymorphic ventricular tachycardia. Identifiers: Orphanet 3286, MedGen C5574922, MONDO:0017990.
Catecholaminergic polymorphic ventricular tachycardia 1. Also called: VENTRICULAR TACHYCARDIA, CATECHOLAMINERGIC POLYMORPHIC, 1, WITH OR WITHOUT ATRIAL DYSFUNCTION AND/OR DILATED CARDIOMYOPATHY; VENTRICULAR TACHYCARDIA, STRESS-INDUCED POLYMORPHIC 1; RYR2-Related Catecholaminergic Polymorphic Ventricular Tachycardia. Identifiers: Orphanet 3286, MedGen C1631597, MONDO:0011484, OMIM 604772.

Allele frequency attached by ClinVar (database versions not stated): TOPMed below 0.00001.

Submissions (2):

All of Us Research Program, National Institutes of Health
Classification: Likely benign for Catecholaminergic polymorphic ventricular tachycardia. Last evaluated: 2024-07-10. Review status: criteria provided, single submitter. Criteria: ACMG Guidelines, 2015. Collection method: clinical testing. Allele origin: germline. Inheritance: Autosomal dominant inheritance. Observed: 1 variant allele, 1 heterozygote.
Comment: This study involves interpretation of variants in research participants for the purpose of population health screening. Participant phenotype was not available at the time of variant classification. Additional details can be found in publication PMID: 35346344, PMCID: PMC8962531

Labcorp Genetics (formerly Invitae), Labcorp
Classification: Likely benign for Catecholaminergic polymorphic ventricular tachycardia 1. Last evaluated: 2020-02-17. Review status: criteria provided, single submitter. Criteria: Invitae Variant Classification Sherloc (09022015). Collection method: clinical testing. Allele origin: germline.